The following is an entry in ClinVar:

ClinVar aggregate classification (germline): Uncertain significance (1 of 4 stars; one submission).

Conditions:
Desmin-related myofibrillar myopathy (MFM1). Also called: Desminopathy; Myofibrillar myopathy 1; Desmin related myopathy (former name); Desmin storage myopathy (former name); MYOFIBRILLAR MYOPATHY WITH ARRHYTHMOGENIC RIGHT VENTRICULAR CARDIOMYOPATHY; DESMIN-RELATED MYOPATHY WITH ARRHYTHMOGENIC RIGHT VENTRICULAR CARDIOMYOPATHY. Identifiers: Orphanet 363543, Orphanet 98909, MedGen C1832370, MONDO:0011076, OMIM 601419.

Submission:

Labcorp Genetics (formerly Invitae), Labcorp
Classification: Uncertain significance for Desmin-related myofibrillar myopathy. Last evaluated: 2022-02-21. Review status: criteria provided, single submitter. Criteria: Invitae Variant Classification Sherloc (09022015). Collection method: clinical testing. Allele origin: germline.
Comment: In summary, the available evidence is currently insufficient to determine the role of this variant in disease. Therefore, it has been classified as a Variant of Uncertain Significance. Algorithms developed to predict the effect of missense changes on protein structure and function (SIFT, PolyPhen-2, Align-GVGD) all suggest that this variant is likely to be tolerated. This variant has not been reported in the literature in individuals affected with DES-related conditions. This variant is not present in population databases (gnomAD no frequency). This sequence change replaces serine, which is neutral and polar, with proline, which is neutral and non-polar, at codon 82 of the DES protein (p.Ser82Pro).

NM_001927.4(DES):c.244T>C (p.Ser82Pro)

Gene: DES (desmin; plus strand). Cytogenetic location: 2q35.
Variant type: single nucleotide variant.
Coding change: c.244T>C on transcript NM_001927.4 (MANE Select); coding-DNA position 244, T replaced by C.
Protein change: p.Ser82Pro; replaces serine 82 with proline.
Molecular consequence: missense variant.
Genome position (GRCh38, 1-based): chr2:219,418,706, T>C. VCF-style: chr2-219418706-T-C. GRCh37 (hg19) VCF-style: chr2-220283428-T-C.
Other names: c.244T>C, p.Ser82Pro (NM_001382708.1, NM_001382709.1, NM_001382710.1 and 3 more transcripts); short protein forms S82P.
Identifiers: ClinVar variation 1982652 (VCV001982652.4), dbSNP rs2545246801, ClinGen allele CA350684394.